The following is an entry in ClinVar:

ClinVar aggregate classification (germline): Uncertain significance (1 of 4 stars; one submission).

gnomAD v4.1: 6 of 1,211,393 alleles (0.0005%); highest among the groups gnomAD compares: Non-Finnish European, 0.00067%; no homozygotes.

Submission:

GeneDx
Classification: Uncertain significance. Last evaluated: 2024-02-26. Review status: criteria provided, single submitter. Criteria: GeneDx Variant Classification Process June 2021. Collection method: clinical testing. Allele origin: germline. Affected: yes.
Comment: Not observed at significant frequency in large population cohorts (gnomAD); In silico analysis supports that this missense variant has a deleterious effect on protein structure/function; Has not been previously published as pathogenic or benign to our knowledge

NM_001123385.2(BCOR):c.1922C>T (p.Ser641Phe)

Gene: BCOR (BCL6 corepressor; minus strand). Cytogenetic location: Xp11.4.
Variant type: single nucleotide variant.
Coding change: c.1922C>T on transcript NM_001123385.2 (MANE Select); coding-DNA position 1922, C replaced by T.
Protein change: p.Ser641Phe; replaces serine 641 with phenylalanine.
Molecular consequence: missense variant.
Genome position (GRCh38, 1-based): chrX:40,073,424, G>A on the plus strand (C>T on the coding strand, the complement: BCOR is on the minus strand). VCF-style: chrX-40073424-G-A. GRCh37 (hg19) VCF-style: chrX-39932677-G-A.
Other names: c.1922C>T, p.Ser641Phe (NM_001123383.2, NM_001123384.2, NM_017745.6); short protein forms S641F.
Identifiers: ClinVar variation 3369893 (VCV003369893.1).